The following is an entry in ClinVar:

NM_014822.4(SEC24D):c.216_218dup (p.Gly73_Ala74insGly)

Gene: SEC24D (SEC24 homolog D, COPII component; minus strand). Cytogenetic location: 4q26.
Variant type: Duplication.
Coding change: c.216_218dup on transcript NM_014822.4 (MANE Select); coding-DNA positions 216 to 218, 3 bases duplicated (TGG; older notation c.216_218dupTGG).
Protein change: p.Gly73_Ala74insGly.
Molecular consequence: inframe insertion.
Genome position (GRCh38, 1-based): chr4:118,824,650-118,824,652, CCA duplicated on the plus strand (TGG on the coding strand, the reverse complement: SEC24D is on the minus strand). VCF-style (leftmost placement, unchanged base first): chr4-118824649-T-TCCA. GRCh37 (hg19) VCF-style: chr4-119745804-T-TCCA.
Other names: c.216_218dup, p.Gly73_Ala74insGly (NM_001318066.2).
Identifiers: ClinVar variation 3003005 (VCV003003005.3), dbSNP rs773637972, ClinGen allele CA3057606.

ClinVar aggregate classification (germline): Uncertain significance (1 of 4 stars; one submission).

Allele frequency attached by ClinVar (database versions not stated): TOPMed 0.00001; gnomAD exomes 0.00002; ExAC 0.00003.

Submission:

Labcorp Genetics (formerly Invitae), Labcorp
Classification: Uncertain significance. Last evaluated: 2023-11-13. Review status: criteria provided, single submitter. Criteria: Invitae Variant Classification Sherloc (09022015). Collection method: clinical testing. Allele origin: germline.
Comment: This variant, c.216_218dup, results in the insertion of 1 amino acid(s) of the SEC24D protein (p.Gly73dup), but otherwise preserves the integrity of the reading frame. This variant is present in population databases (rs773637972, gnomAD 0.08%). This variant has not been reported in the literature in individuals affected with SEC24D-related conditions. In summary, the available evidence is currently insufficient to determine the role of this variant in disease. Therefore, it has been classified as a Variant of Uncertain Significance.